The following is an entry in ClinVar:

NM_002528.7(NTHL1):c.464G>A (p.Ser155Asn)

Gene: NTHL1 (nth like DNA glycosylase 1; minus strand). Cytogenetic location: 16p13.3.
Variant type: single nucleotide variant.
Coding change: c.464G>A on transcript NM_002528.7 (MANE Select); coding-DNA position 464, G replaced by A.
Protein change: p.Ser155Asn; replaces serine 155 with asparagine.
Molecular consequence: missense variant. On other transcripts: intron variant (1).
Genome position (GRCh38, 1-based): chr16:2,044,691, C>T on the plus strand (G>A on the coding strand, the complement: NTHL1 is on the minus strand). VCF-style: chr16-2044691-C-T. GRCh37 (hg19) VCF-style: chr16-2094692-C-T.
Other names: c.134G>A, p.Ser45Asn (NM_001318194.2); c.355-965G>A (NM_001318193.2); c.488G>A (NM_002528.5); short protein forms S155N, S45N.
Identifiers: ClinVar variation 2812446 (VCV002812446.4), dbSNP rs1314362714, ClinGen allele CA394294250.
Genomic context (GRCh38, chr16:2,044,691, plus strand): 5'-CTCCAGAAACCGACGGGGTAGATGAGCTTGCCCAGCGTGGCATCATCTGTCTGCAGGATG[C>T]TGTCCACCGTCAGGCCCCGCGCCCGCAGTCGCTGCATGGCGCCCGCCGTCACCTGGTCTT-3'
Protein context (NP_002519.2, residues 145-165): RLRARGLTVD[Ser155Asn]ILQTDDATLG

ClinVar aggregate classification (germline): Conflicting classifications of pathogenicity. Review status: criteria provided, conflicting classifications (1 of 4 stars). 2 submissions from 2 submitters: Uncertain significance (1); Likely benign (1). Last evaluated 2025-10-29.

Conditions:
Hereditary cancer-predisposing syndrome. Also called: Tumor predisposition; Hereditary Cancer Syndrome; Hereditary neoplastic syndrome; Neoplastic Syndromes, Hereditary. Identifiers: Orphanet 140162, MedGen C0027672, MeSH D009386, MONDO:0015356.

gnomAD v4.1: 1 of 1,612,064 alleles (0.000062%); no homozygotes.

Submissions (2):

Ambry Genetics
Classification: Likely benign for Hereditary cancer-predisposing syndrome. Last evaluated: 2025-10-29. Review status: criteria provided, single submitter. Criteria: Ambry Variant Classification Scheme 2023. Collection method: clinical testing. Allele origin: germline.

Labcorp Genetics (formerly Invitae), Labcorp
Classification: Uncertain significance. Last evaluated: 2022-11-08. Review status: criteria provided, single submitter. Criteria: Invitae Variant Classification Sherloc (09022015). Collection method: clinical testing. Allele origin: germline.
Comment: This sequence change replaces serine, which is neutral and polar, with asparagine, which is neutral and polar, at codon 163 of the NTHL1 protein (p.Ser163Asn). The frequency data for this variant in the population databases is considered unreliable, as metrics indicate poor data quality at this position in the gnomAD database. This variant has not been reported in the literature in individuals affected with NTHL1-related conditions. Algorithms developed to predict the effect of missense changes on protein structure and function output the following: SIFT: "Not Available"; PolyPhen-2: "Benign"; Align-GVGD: "Not Available". The asparagine amino acid residue is found in multiple mammalian species, which suggests that this missense change does not adversely affect protein function. In summary, the available evidence is currently insufficient to determine the role of this variant in disease. Therefore, it has been classified as a Variant of Uncertain Significance.